The following is an entry in ClinVar:

ClinVar aggregate classification (germline): Uncertain significance. Review status: criteria provided, multiple submitters, no conflicts (2 of 4 stars). 3 submissions from 3 submitters: Uncertain significance (3). Last evaluated 2024-04-04.

Conditions:
Joubert syndrome 17 (JBTS17). Identifiers: Orphanet 475, MedGen C3553264, MONDO:0013824, OMIM 614615.
Orofaciodigital syndrome type 6 (OFD6). Also called: OROFACIODIGITAL SYNDROME VI; OFDS VI; POLYDACTYLY, CLEFT LIP/PALATE OR LINGUAL LUMP, AND PSYCHOMOTOR RETARDATION; VARADI SYNDROME; VARADI-PAPP SYNDROME; Oral-facial-digital syndrome type 6. Identifiers: Orphanet 2754, MedGen C2745997, MONDO:0010176, OMIM 277170.

Allele frequency attached by ClinVar (database versions not stated): gnomAD 0.00001; gnomAD exomes 0.00001 and 0.00003; TOPMed 0.00001; ExAC 0.00005.
gnomAD v4.1: 25 of 1,524,798 alleles (0.0016%); highest among the groups gnomAD compares: Middle Eastern, 0.084%; no homozygotes.

Submissions (3):

Fulgent Genetics
Classification: Uncertain significance for Orofaciodigital syndrome type 6; Joubert syndrome 17. Last evaluated: 2024-04-04. Review status: criteria provided, single submitter. Criteria: ACMG Guidelines, 2015. Collection method: clinical testing. Allele origin: germline.

CeGaT Center for Human Genetics Tuebingen
Classification: Uncertain significance. Last evaluated: 2023-12-01. Review status: criteria provided, single submitter. Criteria: CeGaT Center For Human Genetics Tuebingen Variant Classification Criteria Version 2. Collection method: clinical testing. Allele origin: germline. Affected: yes. Observed: 1 variant allele.
Comment: CPLANE1: PM2, BP4

Labcorp Genetics (formerly Invitae), Labcorp
Classification: Uncertain significance. Last evaluated: 2022-09-01. Review status: criteria provided, single submitter. Criteria: Invitae Variant Classification Sherloc (09022015). Collection method: clinical testing. Allele origin: germline.
Comment: In summary, the available evidence is currently insufficient to determine the role of this variant in disease. Therefore, it has been classified as a Variant of Uncertain Significance. Algorithms developed to predict the effect of sequence changes on RNA splicing suggest that this variant may create or strengthen a splice site. Advanced modeling of protein sequence and biophysical properties (such as structural, functional, and spatial information, amino acid conservation, physicochemical variation, residue mobility, and thermodynamic stability) performed at Invitae indicates that this missense variant is not expected to disrupt CPLANE1 protein function. ClinVar contains an entry for this variant (Variation ID: 1513190). This variant has not been reported in the literature in individuals affected with CPLANE1-related conditions. This variant is present in population databases (rs754271101, gnomAD 0.004%). This sequence change replaces lysine, which is basic and polar, with arginine, which is basic and polar, at codon 1052 of the CPLANE1 protein (p.Lys1052Arg).

NM_001384732.1(CPLANE1):c.3155A>G (p.Lys1052Arg)

Gene: CPLANE1 (ciliogenesis and planar polarity effector complex subunit 1; minus strand). Cytogenetic location: 5p13.2.
Variant type: single nucleotide variant.
Coding change: c.3155A>G on transcript NM_001384732.1 (MANE Select); coding-DNA position 3155, A replaced by G.
Protein change: p.Lys1052Arg; replaces lysine 1052 with arginine.
Molecular consequence: missense variant.
Genome position (GRCh38, 1-based): chr5:37,205,449, T>C on the plus strand (A>G on the coding strand, the complement: CPLANE1 is on the minus strand). VCF-style: chr5-37205449-T-C. GRCh37 (hg19) VCF-style: chr5-37205551-T-C.
Other names: c.3155A>G (NM_023073.3); c.3155A>G, p.Lys1052Arg (NM_023073.4); short protein forms K1052R.
Identifiers: ClinVar variation 1513190 (VCV001513190.29), dbSNP rs754271101, ClinGen allele CA3238986.
Genomic context (GRCh38, chr5:37,205,449, plus strand): 5'-AGTTTTTCCTGAAAAATCTGTGCTGGAGTCATACGGAGTGGTAGATTCAGACTCTTTTTC[T>C]TGGACCTGAAATGACATCAAATTAAGGGAAATGAATCCAAATTTTGAAAAAAAAGGAAAG-3'
Protein context (NP_001371661.1, residues 1042-1062): CKRDSNFMRS[Lys1052Arg]KKSLNLPLRM